The following is an entry in ClinVar:

ClinVar aggregate classification (germline): Conflicting classifications of pathogenicity. Review status: criteria provided, conflicting classifications (1 of 4 stars). 2 submissions from 2 submitters: Likely pathogenic (1); Uncertain significance (1). Last evaluated 2024-05-01.

Conditions:
Glycogen storage disease IXa1. Also called: GLYCOGEN STORAGE DISEASE VIII; GSD VIII; LIVER GLYCOGENOSIS, X-LINKED, TYPE I; Glycogen storage disease 8. Identifiers: Orphanet 264580, MedGen C3694531, MONDO:0010598, OMIM 306000.

Submissions (2):

CeGaT Center for Human Genetics Tuebingen
Classification: Likely pathogenic. Last evaluated: 2024-05-01. Review status: criteria provided, single submitter. Criteria: CeGaT Center For Human Genetics Tuebingen Variant Classification Criteria Version 2. Collection method: clinical testing. Allele origin: germline. Affected: yes. Observed: 3 variant alleles.
Comment: PHKA2: PM2, PM5, PP3, PP4

Labcorp Genetics (formerly Invitae), Labcorp
Classification: Uncertain significance for Glycogen storage disease IXa1. Last evaluated: 2020-05-26. Review status: criteria provided, single submitter. Criteria: Invitae Variant Classification Sherloc (09022015). Collection method: clinical testing. Allele origin: germline.
Comment: In summary, the available evidence is currently insufficient to determine the role of this variant in disease. Therefore, it has been classified as a Variant of Uncertain Significance. This variant disrupts the p.Gly300 amino acid residue in PHKA2. Other variant(s) that disrupt this residue have been observed in individuals with PHKA2-related conditions (PMID: 28627441, 21646031), which suggests that this may be a clinically significant amino acid residue. Algorithms developed to predict the effect of sequence changes on RNA splicing suggest that this variant may create or strengthen a splice site, but this prediction has not been confirmed by published transcriptional studies. Algorithms developed to predict the effect of missense changes on protein structure and function are either unavailable or do not agree on the potential impact of this missense change (SIFT: "Deleterious"; PolyPhen-2: "Possibly Damaging"; Align-GVGD: "Class C0"). This variant has not been reported in the literature in individuals with PHKA2-related conditions. This variant is not present in population databases (ExAC no frequency). This sequence change replaces glycine with serine at codon 300 of the PHKA2 protein (p.Gly300Ser). The glycine residue is highly conserved and there is a small physicochemical difference between glycine and serine.

Literature cited by the submitters: PubMed 28627441 (cited by Labcorp Genetics (formerly Invitae), Labcorp); PubMed 21646031 (cited by Labcorp Genetics (formerly Invitae), Labcorp).

NM_000292.3(PHKA2):c.898G>A (p.Gly300Ser)

Gene: PHKA2 (phosphorylase kinase regulatory subunit alpha 2; minus strand). Cytogenetic location: Xp22.13.
Variant type: single nucleotide variant.
Coding change: c.898G>A on transcript NM_000292.3 (MANE Select); coding-DNA position 898, G replaced by A.
Protein change: p.Gly300Ser; replaces glycine 300 with serine.
Molecular consequence: missense variant.
Genome position (GRCh38, 1-based): chrX:18,940,015, C>T on the plus strand (G>A on the coding strand, the complement: PHKA2 is on the minus strand). VCF-style: chrX-18940015-C-T. GRCh37 (hg19) VCF-style: chrX-18958133-C-T.
Other names: short protein forms G300S.
Identifiers: ClinVar variation 1062513 (VCV001062513.31), dbSNP rs2147958526, ClinGen allele CA412397367.
Genomic context (GRCh38, chrX:18,940,015, plus strand): 5'-AACAGTTGAGGAAAGATAAGAAACAATATTTAAATACAACCTCTCTTGGAGTTTTATAAC[C>T]ATCTCGAAGGAAGCGACAGCATCCATAACGCCCCTAATAAGAGAAAGTACATTCGATGAG-3'
Protein context (NP_000283.1, residues 290-310): RYGCCRFLRD[Gly300Ser]YKTPREDPNR